The following is an entry in ClinVar:

ClinVar aggregate classification (germline): Uncertain significance. Review status: criteria provided, multiple submitters, no conflicts (2 of 4 stars). 2 submissions from 2 submitters: Uncertain significance (2). Last evaluated 2026-09-09.

Conditions:
Meckel syndrome, type 5 (MKS5). Identifiers: Orphanet 564, MedGen C1969052, MONDO:0012695, OMIM 611561.
COACH syndrome 3. Identifiers: MedGen C5436841, MONDO:0030862, OMIM 619113.
Joubert syndrome 7 (JBTS7). Identifiers: Orphanet 220497, MedGen C1969053, MONDO:0012694, OMIM 611560.
RPGRIP1L-related disorder. Also called: RPGRIP1L-related condition; RPGRIP1L-related disorders. Identifiers: MedGen CN239416.

gnomAD v4.1: 1 of 1,612,944 alleles (0.000062%); highest among the groups gnomAD compares: African/African-American, 0.0013%; no homozygotes.

Submissions (2):

PreventionGenetics, part of Exact Sciences
Classification: Uncertain significance for RPGRIP1L-related condition. Last evaluated: 2026-09-09. Review status: criteria provided, single submitter. Criteria: ACMG Guidelines, 2015. Collection method: clinical testing. Allele origin: germline.
Comment: The RPGRIP1L c.3149G>A variant is predicted to result in the amino acid substitution p.Gly1050Asp. To our knowledge, this variant has not been reported in the literature or in a large population database, indicating this variant is rare. At this time, the clinical significance of this variant is uncertain due to the absence of conclusive functional and genetic evidence.

Fulgent Genetics
Classification: Uncertain significance for Joubert syndrome 7; Meckel syndrome, type 5; COACH syndrome 3. Last evaluated: 2024-04-23. Review status: criteria provided, single submitter. Criteria: ACMG Guidelines, 2015. Collection method: clinical testing. Allele origin: germline.

NM_015272.5(RPGRIP1L):c.3149G>A (p.Gly1050Asp)

Gene: RPGRIP1L (RPGRIP1 like; minus strand). Cytogenetic location: 16q12.2.
Variant type: single nucleotide variant.
Coding change: c.3149G>A on transcript NM_015272.5 (MANE Select); coding-DNA position 3149, G replaced by A.
Protein change: p.Gly1050Asp; replaces glycine 1050 with aspartic acid.
Molecular consequence: missense variant.
Genome position (GRCh38, 1-based): chr16:53,637,766, C>T on the plus strand (G>A on the coding strand, the complement: RPGRIP1L is on the minus strand). VCF-style: chr16-53637766-C-T. GRCh37 (hg19) VCF-style: chr16-53671678-C-T.
Other names: c.3047G>A, p.Gly1016Asp (NM_001127897.4, NM_001330538.2); c.3149G>A, p.Gly1050Asp (NM_001308334.3); c.3149G>A (NM_015272.4); short protein forms G1016D, G1050D.
Identifiers: ClinVar variation 3580821 (VCV003580821.2).